The following is an entry in ClinVar:

NM_012478.4(WBP2):c.449G>T (p.Ser150Ile)

Gene: WBP2 (WW domain binding protein 2; minus strand). Cytogenetic location: 17q25.1.
Variant type: single nucleotide variant.
Coding change: c.449G>T on transcript NM_012478.4 (MANE Select); coding-DNA position 449, G replaced by T.
Protein change: p.Ser150Ile; replaces serine 150 with isoleucine.
Molecular consequence: missense variant. On other transcripts: intron variant (1).
Genome position (GRCh38, 1-based): chr17:75,847,879, C>A on the plus strand (G>T on the coding strand, the complement: WBP2 is on the minus strand). VCF-style: chr17-75847879-C-A. GRCh37 (hg19) VCF-style: chr17-73843960-C-A.
Other names: c.449G>T, p.Ser150Ile (NM_001348170.1); c.398-270G>T (NM_001330499.2); short protein forms S150I.
Identifiers: ClinVar variation 3647458 (VCV003647458.2).
Genomic context (GRCh38, chr17:75,847,879, plus strand): 5'-TAGCCAGGAGGGCAGGGGTACATTCCATTGGCGACTGGCGGGGGATAGACATAGGCCCCG[C>A]TGGGCATGTAAGAGTAGCCATAGGCTCCACTGGGGACTTCACCTCTGGAGGCTACGAGTA-3'
Protein context (NP_036610.2, residues 140-160): SGAYGYSYMP[Ser150Ile]GAYVYPPPVA

ClinVar aggregate classification (germline): Uncertain significance (1 of 4 stars; one submission).

Submission:

Labcorp Genetics (formerly Invitae), Labcorp
Classification: Uncertain significance. Last evaluated: 2024-03-24. Review status: criteria provided, single submitter. Criteria: Invitae Variant Classification Sherloc (09022015). Collection method: clinical testing. Allele origin: germline.
Comment: This sequence change replaces serine, which is neutral and polar, with isoleucine, which is neutral and non-polar, at codon 150 of the WBP2 protein (p.Ser150Ile). This variant is not present in population databases (gnomAD no frequency). This variant has not been reported in the literature in individuals affected with WBP2-related conditions. Advanced modeling of protein sequence and biophysical properties (such as structural, functional, and spatial information, amino acid conservation, physicochemical variation, residue mobility, and thermodynamic stability) performed at Invitae indicates that this missense variant is not expected to disrupt WBP2 protein function with a negative predictive value of 80%. In summary, the available evidence is currently insufficient to determine the role of this variant in disease. Therefore, it has been classified as a Variant of Uncertain Significance.